The following is an entry in ClinVar:

NM_018834.6(MATR3):c.2371+2_2371+3insATAGACTATGTGATACCTAAAACAG

Gene: MATR3 (matrin 3; plus strand). Cytogenetic location: 5q31.2.
Variant type: Insertion.
Coding change: c.2371+2_2371+3insATAGACTATGTGATACCTAAAACAG on transcript NM_018834.6 (MANE Select); the canonical splice donor site of the intron after coding-DNA position 2371 through 3 bases into the intron after coding-DNA position 2371, ATAGACTATGTGATACCTAAAACAG inserted.
Molecular consequence: intron variant.
Genome position: GRCh38 VCF-style: chr5-139325664-T-TATAGACTATGTGATACCTAAAACAG. GRCh37 (hg19) VCF-style: chr5-138661353-T-TATAGACTATGTGATACCTAAAACAG.
Other names: c.2371+2_2371+3insATAGACTATGTGATACCTAAAACAG (NM_001400451.1, NM_001400450.1, NM_001400455.1 and 11 more transcripts); c.2515+2_2515+3insATAGACTATGTGATACCTAAAACAG (NM_001400441.1, NM_001400444.1, NM_001400442.1 and 2 more transcripts); c.1510+2_1510+3insATAGACTATGTGATACCTAAAACAG (NM_001400459.1); c.1357+2_1357+3insATAGACTATGTGATACCTAAAACAG (NM_001400463.1, NM_001282278.2, NM_001400462.1 and 4 more transcripts); c.1501+2_1501+3insATAGACTATGTGATACCTAAAACAG (NM_001400460.1); c.1471+2_1471+3insATAGACTATGTGATACCTAAAACAG (NM_001400461.1); c.1507+2_1507+3insATAGACTATGTGATACCTAAAACAG (NM_001194956.2).
Identifiers: ClinVar variation 2078664 (VCV002078664.2), dbSNP rs1172753627, ClinGen allele CA1082117247.

ClinVar aggregate classification (germline): Conflicting classifications of pathogenicity. Review status: criteria provided, conflicting classifications (1 of 4 stars). 2 submissions from 2 submitters: Uncertain significance (1); Likely benign (1). Last evaluated 2024-11-25.

Conditions:
Amyotrophic lateral sclerosis type 21. Also called: MYOPATHY, DISTAL, 2; VOCAL CORD AND PHARYNGEAL DYSFUNCTION WITH DISTAL MYOPATHY. Identifiers: Orphanet 600, Orphanet 803, MedGen C3807521, MONDO:0011632, OMIM 606070.

Submissions (2):

Blueprint Genetics
Classification: Likely benign. Last evaluated: 2024-11-25. Review status: criteria provided, single submitter. Criteria: ACMG Guidelines, 2015. Collection method: clinical testing. Allele origin: germline.

Labcorp Genetics (formerly Invitae), Labcorp
Classification: Uncertain significance for Amyotrophic lateral sclerosis type 21. Last evaluated: 2022-04-04. Review status: criteria provided, single submitter. Criteria: Invitae Variant Classification Sherloc (09022015). Collection method: clinical testing. Allele origin: germline.
Comment: This sequence change falls in intron 16 of the MATR3 gene. It does not directly change the encoded amino acid sequence of the MATR3 protein. It affects a nucleotide within the consensus splice site. This variant is not present in population databases (gnomAD no frequency). This variant has not been reported in the literature in individuals affected with MATR3-related conditions. Variants that disrupt the consensus splice site are a relatively common cause of aberrant splicing (PMID: 17576681, 9536098). Algorithms developed to predict the effect of sequence changes on RNA splicing suggest that this variant may disrupt the consensus splice site. In summary, the available evidence is currently insufficient to determine the role of this variant in disease. Therefore, it has been classified as a Variant of Uncertain Significance.

Literature cited by the submitters: PubMed 17576681 (cited by Labcorp Genetics (formerly Invitae), Labcorp); PubMed 9536098 (cited by Labcorp Genetics (formerly Invitae), Labcorp).